The following is an entry in ClinVar:

NM_000152.5(GAA):c.2189+22G>A

Gene: GAA (alpha glucosidase; plus strand). Cytogenetic location: 17q25.3.
Variant type: single nucleotide variant.
Coding change: c.2189+22G>A on transcript NM_000152.5 (MANE Select); 22 bases into the intron after coding-DNA position 2189, G replaced by A.
Molecular consequence: intron variant.
Genome position (GRCh38, 1-based): chr17:80,113,388, G>A. VCF-style: chr17-80113388-G-A. GRCh37 (hg19) VCF-style: chr17-78087187-G-A.
Other names: c.2189+22G>A (NM_001406741.1, NM_001406742.1, NM_001079803.3 and 1 more transcripts).
Identifiers: ClinVar variation 4876362 (VCV004876362.1).

ClinVar aggregate classification (germline): Likely benign (1 of 4 stars; one submission).

Conditions:
Glycogen storage disease, type II (IOPD). Also called: Pompe Disease; CARDIOMEGALIA GLYCOGENICA DIFFUSA; GLYCOGENOSIS, GENERALIZED, CARDIAC FORM; GSD II; POMPE DISEASE, INFANTILE-ONSET; GLYCOGEN STORAGE DISEASE II, INFANTILE-ONSET. Identifiers: Orphanet 365, MedGen C0017921, MONDO:0009290, OMIM 232300.

gnomAD v4.1: 64 of 1,535,230 alleles (0.0042%); highest among the groups gnomAD compares: Middle Eastern, 0.017%; no homozygotes.

Submission:

Genomenon, Inc
Classification: Likely benign for Glycogen storage disease, type II. Last evaluated: 2026-07-01. Review status: criteria provided, single submitter. Criteria: Genomenon Sequence Variant Interpretation Standards - Updated. Collection method: curation. Allele origin: germline. Affected: yes.
Comment: GAA c.2189+22G>A is an intronic variant located in intron 15. This variant has been observed in at least one proband with a GAA-related disorder (PMID:38739391). It is absent or not present at a significant frequency in gnomAD. This variant is not predicted to impact splicing. In conclusion, we classify GAA c.2189+22G>A as a likely benign variant.

Literature cited by the submitters: PubMed 38739391.